The following is an entry in ClinVar:

ClinVar aggregate classification (germline): Uncertain significance (1 of 4 stars; one submission).

Conditions:
Ellis-van Creveld syndrome (EVC). Also called: EVC-Related Ellis-van Creveld Syndrome; EVC2-Related Ellis-van Creveld Syndrome; MESOECTODERMAL DYSPLASIA; Chondroectodermal dysplasia. Identifiers: Orphanet 289, MedGen C0013903, MONDO:0009162, OMIM 225500.
Curry-Hall syndrome (WAD). Also called: WEYERS ACRODENTAL DYSOSTOSIS. Identifiers: Orphanet 952, MedGen C0457013, MONDO:0008673, OMIM 193530.

Allele frequency attached by ClinVar (database versions not stated): gnomAD exomes below 0.00001; gnomAD 0.00001; TOPMed 0.00001.
gnomAD v4.1: 7 of 1,609,640 alleles (0.00043%); highest among the groups gnomAD compares: Non-Finnish European, 0.00059%; no homozygotes.

Submission:

Labcorp Genetics (formerly Invitae), Labcorp
Classification: Uncertain significance for Curry-Hall syndrome; Ellis-van Creveld syndrome. Last evaluated: 2023-11-13. Review status: criteria provided, single submitter. Criteria: Invitae Variant Classification Sherloc (09022015). Collection method: clinical testing. Allele origin: germline.
Comment: This sequence change replaces alanine, which is neutral and non-polar, with valine, which is neutral and non-polar, at codon 428 of the EVC protein (p.Ala428Val). The frequency data for this variant in the population databases is considered unreliable, as metrics indicate poor data quality at this position in the gnomAD database. This variant has not been reported in the literature in individuals affected with EVC-related conditions. ClinVar contains an entry for this variant (Variation ID: 1481539). Advanced modeling of protein sequence and biophysical properties (such as structural, functional, and spatial information, amino acid conservation, physicochemical variation, residue mobility, and thermodynamic stability) performed at Invitae indicates that this missense variant is expected to disrupt EVC protein function with a positive predictive value of 80%. In summary, the available evidence is currently insufficient to determine the role of this variant in disease. Therefore, it has been classified as a Variant of Uncertain Significance.

NM_153717.3(EVC):c.1283C>T (p.Ala428Val)

Gene: EVC (EvC ciliary complex subunit 1; plus strand). Cytogenetic location: 4p16.2.
Variant type: single nucleotide variant.
Coding change: c.1283C>T on transcript NM_153717.3 (MANE Select); coding-DNA position 1283, C replaced by T.
Protein change: p.Ala428Val; replaces alanine 428 with valine.
Molecular consequence: missense variant.
Genome position (GRCh38, 1-based): chr4:5,753,020, C>T. VCF-style: chr4-5753020-C-T. GRCh37 (hg19) VCF-style: chr4-5754747-C-T.
Other names: c.1283C>T, p.Ala428Val (NM_001306090.2, NM_001306092.2); short protein forms A428V.
Identifiers: ClinVar variation 1481539 (VCV001481539.7), dbSNP rs1409088904, ClinGen allele CA356154362.